The following is an entry in ClinVar:

NM_032638.5(GATA2):c.1315C>T (p.Pro439Ser)

Gene: GATA2 (GATA binding protein 2; minus strand). Cytogenetic location: 3q21.3.
Variant type: single nucleotide variant.
Coding change: c.1315C>T on transcript NM_032638.5 (MANE Select); coding-DNA position 1315, C replaced by T.
Protein change: p.Pro439Ser; replaces proline 439 with serine.
Molecular consequence: missense variant.
Genome position (GRCh38, 1-based): chr3:128,481,147, G>A on the plus strand (C>T on the coding strand, the complement: GATA2 is on the minus strand). VCF-style: chr3-128481147-G-A. GRCh37 (hg19) VCF-style: chr3-128199990-G-A.
Other names: c.1315C>T, p.Pro439Ser (NM_001145661.2); c.1273C>T, p.Pro425Ser (NM_001145662.1); short protein forms P439S, P425S.
Identifiers: ClinVar variation 642811 (VCV000642811.12), dbSNP rs1576744314, ClinGen allele CA354412785.

ClinVar aggregate classification (germline): Uncertain significance. Review status: criteria provided, multiple submitters, no conflicts (2 of 4 stars). 2 submissions from 2 submitters: Uncertain significance (2). Last evaluated 2025-03-05.

Conditions:
Inborn genetic diseases. Identifiers: MedGen C0950123, MeSH D030342.
Monocytopenia with susceptibility to infections. Also called: Dendritic cell, monocyte, B lymphocyte, and natural killer lymphocyte deficiency; GATA2 DEFICIENCY; MONOCYTOPENIA AND MYCOBACTERIAL INFECTION SYNDROME; MONOCYTOPENIA WITH SUSCEPTIBILITY TO MYCOBACTERIAL, FUNGAL, AND PAPILLOMAVIRUS INFECTIONS AND MYELODYSPLASIA; COMBINED IMMUNODEFICIENCY WITH SUSCEPTIBILITY TO MYCOBACTERIAL, VIRAL, AND FUNGAL INFECTIONS; IMMUNODEFICIENCY 21. Identifiers: Orphanet 228423, MedGen C3280030, MONDO:0013607, OMIM 614172.
Deafness-lymphedema-leukemia syndrome. Also called: Lymphedema, primary, with myelodysplasia; Emberger syndrome. Identifiers: Orphanet 3226, MedGen C3279664, MONDO:0013540, OMIM 614038.

Allele frequency attached by ClinVar (database versions not stated): gnomAD exomes below 0.00001.
gnomAD v4.1: 1 of 1,614,250 alleles (0.000062%); highest among the groups gnomAD compares: African/African-American, 0.0013%; no homozygotes.

Submissions (2):

Ambry Genetics
Classification: Uncertain significance for Inborn genetic diseases. Last evaluated: 2025-03-05. Review status: criteria provided, single submitter. Criteria: Ambry Variant Classification Scheme 2023. Collection method: clinical testing. Allele origin: germline.
Comment: The p.P439S variant (also known as c.1315C>T), located in coding exon 5 of the GATA2 gene, results from a C to T substitution at nucleotide position 1315. The proline at codon 439 is replaced by serine, an amino acid with similar properties. This amino acid position is highly conserved in available vertebrate species. In addition, the in silico prediction for this alteration is inconclusive. Based on the available evidence, the clinical significance of this variant remains unclear.

Labcorp Genetics (formerly Invitae), Labcorp
Classification: Uncertain significance for Monocytopenia with susceptibility to infections; Deafness-lymphedema-leukemia syndrome. Last evaluated: 2020-02-12. Review status: criteria provided, single submitter. Criteria: Invitae Variant Classification Sherloc (09022015). Collection method: clinical testing. Allele origin: germline.
Comment: Algorithms developed to predict the effect of missense changes on protein structure and function are either unavailable or do not agree on the potential impact of this missense change (SIFT: "Tolerated"; PolyPhen-2: "Probably Damaging"; Align-GVGD: "Class C0"). This variant has not been reported in the literature in individuals with GATA2-related conditions. This sequence change replaces proline with serine at codon 439 of the GATA2 protein (p.Pro439Ser). The proline residue is moderately conserved and there is a moderate physicochemical difference between proline and serine. This variant is not present in population databases (ExAC no frequency). In summary, the available evidence is currently insufficient to determine the role of this variant in disease. Therefore, it has been classified as a Variant of Uncertain Significance.